The following is an entry in ClinVar:

ClinVar aggregate classification (germline): Uncertain significance (1 of 4 stars; one submission).

Conditions:
Pitt-Hopkins-like syndrome 2 (PTHSL2). Identifiers: Orphanet 221150, Orphanet 600663, MedGen C3280479, MONDO:0013690, OMIM 614325.

Submission:

Labcorp Genetics (formerly Invitae), Labcorp
Classification: Uncertain significance for Pitt-Hopkins-like syndrome 2. Last evaluated: 2023-03-04. Review status: criteria provided, single submitter. Criteria: Invitae Variant Classification Sherloc (09022015). Collection method: clinical testing. Allele origin: germline.
Comment: In summary, the available evidence is currently insufficient to determine the role of this variant in disease. Therefore, it has been classified as a Variant of Uncertain Significance. An algorithm developed to predict the effect of missense changes on protein structure and function (PolyPhen-2) suggests that this variant is likely to be tolerated. This variant has not been reported in the literature in individuals affected with NRXN1-related conditions. This variant is not present in population databases (gnomAD no frequency). This sequence change replaces serine, which is neutral and polar, with isoleucine, which is neutral and non-polar, at codon 309 of the NRXN1 protein (p.Ser309Ile).

NM_001330078.2(NRXN1):c.827G>T (p.Ser276Ile)

Gene: NRXN1 (neurexin 1; minus strand). Cytogenetic location: 2p16.3.
Variant type: single nucleotide variant.
Coding change: c.827G>T on transcript NM_001330078.2 (MANE Select); coding-DNA position 827, G replaced by T.
Protein change: p.Ser276Ile; replaces serine 276 with isoleucine.
Molecular consequence: missense variant. On other transcripts: intron variant (6).
Genome position (GRCh38, 1-based): chr2:50,921,874, C>A on the plus strand (G>T on the coding strand, the complement: NRXN1 is on the minus strand). VCF-style: chr2-50921874-C-A. GRCh37 (hg19) VCF-style: chr2-51149012-C-A.
Other names: c.827G>T, p.Ser276Ile (NM_004801.6, NM_001330077.2, NM_001330081.2 and 5 more transcripts); c.772+105628G>T (NM_001330096.2, NM_001330087.2, NM_001330083.2 and 1 more transcripts); c.802+784G>T (NM_001330088.2); c.820+784G>T (NM_001330094.2); c.926G>T, p.Ser309Ile (NM_001135659.3); c.824G>T, p.Ser275Ile (NM_001330079.2, NM_001330093.2); short protein forms S276I, S275I, S309I.
Identifiers: ClinVar variation 2842961 (VCV002842961.3), dbSNP rs2466962605, ClinGen allele CA346822790.
Genomic context (GRCh38, chr2:50,921,874, plus strand): 5'-AGACACACTGTAATTCATACAGATGATATTAAGAAGAAATAAAATAATGTAATACCTTTA[C>A]TTTTACCTATGGATTTGATGAAATGGGTCCATGAAGAAAGGGTTTCCAGACAAAGAGGAT-3'
Protein context (NP_001317007.1, residues 266-286): AHLMMGDQGK[Ser276Ile]KGKEEYIATF